The following is an entry in ClinVar:

NM_153026.3(PRICKLE1):c.2297C>T (p.Ser766Phe)

Gene: PRICKLE1 (prickle planar cell polarity protein 1; minus strand). Cytogenetic location: 12q12.
Variant type: single nucleotide variant.
Coding change: c.2297C>T on transcript NM_153026.3 (MANE Select); coding-DNA position 2297, C replaced by T.
Protein change: p.Ser766Phe; replaces serine 766 with phenylalanine.
Molecular consequence: missense variant.
Genome position (GRCh38, 1-based): chr12:42,460,008, G>A on the plus strand (C>T on the coding strand, the complement: PRICKLE1 is on the minus strand). VCF-style: chr12-42460008-G-A. GRCh37 (hg19) VCF-style: chr12-42853810-G-A.
Other names: c.2297C>T, p.Ser766Phe (NM_001144881.2, NM_001144882.2, NM_001144883.2); short protein forms S766F.
Identifiers: ClinVar variation 935336 (VCV000935336.9), dbSNP rs1937743406, ClinGen allele CA384439772.

ClinVar aggregate classification (germline): Uncertain significance (1 of 4 stars; one submission).

Conditions:
Epilepsy, progressive myoclonic, 1B. Also called: PME. Identifiers: Orphanet 308, MedGen C2676254, MONDO:0012904, OMIM 612437.

Allele frequency attached by ClinVar (database versions not stated): gnomAD exomes below 0.00001.
gnomAD v4.1: 1 of 1,614,060 alleles (0.000062%); highest among the groups gnomAD compares: Non-Finnish European, 0.000085%; no homozygotes.

Submission:

Labcorp Genetics (formerly Invitae), Labcorp
Classification: Uncertain significance for Epilepsy, progressive myoclonic, 1B. Last evaluated: 2022-09-19. Review status: criteria provided, single submitter. Criteria: Invitae Variant Classification Sherloc (09022015). Collection method: clinical testing. Allele origin: germline.
Comment: In summary, the available evidence is currently insufficient to determine the role of this variant in disease. Therefore, it has been classified as a Variant of Uncertain Significance. Advanced modeling of protein sequence and biophysical properties (such as structural, functional, and spatial information, amino acid conservation, physicochemical variation, residue mobility, and thermodynamic stability) performed at Invitae indicates that this missense variant is expected to disrupt PRICKLE1 protein function. ClinVar contains an entry for this variant (Variation ID: 935336). This variant has not been reported in the literature in individuals affected with PRICKLE1-related conditions. This variant is not present in population databases (gnomAD no frequency). This sequence change replaces serine, which is neutral and polar, with phenylalanine, which is neutral and non-polar, at codon 766 of the PRICKLE1 protein (p.Ser766Phe).